The following is an entry in ClinVar:

NM_001349253.2(SCN11A):c.3724A>G (p.Asn1242Asp)

Genes: SCN11A (sodium voltage-gated channel alpha subunit 11; minus strand), LOC126806652 (CDK7 strongly-dependent group 2 enhancer GRCh37_chr3:38912374-38913573; plus strand). Cytogenetic location: 3p22.2.
Variant type: single nucleotide variant.
Coding change: c.3724A>G on transcript NM_001349253.2 (MANE Select); coding-DNA position 3724, A replaced by G.
Protein change: p.Asn1242Asp; replaces asparagine 1242 with aspartic acid.
Molecular consequence: missense variant.
Genome position (GRCh38, 1-based): chr3:38,871,480, T>C on the plus strand (A>G on the coding strand, the complement: SCN11A is on the minus strand). VCF-style: chr3-38871480-T-C. GRCh37 (hg19) VCF-style: chr3-38912971-T-C.
Other names: c.3724A>G, p.Asn1242Asp (NM_014139.3); short protein forms N1242D.
Identifiers: ClinVar variation 474722 (VCV000474722.11), dbSNP rs769151002, ClinGen allele CA2321734.

ClinVar aggregate classification (germline): Uncertain significance. Review status: criteria provided, multiple submitters, no conflicts (2 of 4 stars). 4 submissions from 4 submitters: Uncertain significance (4). Last evaluated 2026-03-27.

Conditions:
SCN11A-related disorder. Also called: SCN11A-related condition.
Hereditary sensory and autonomic neuropathy type 7. Also called: HSAN VII; Neuropathy, hereditary sensory and autonomic, type VII. Identifiers: Orphanet 391397, MedGen C3809882, MONDO:0014244, OMIM 615548.
Familial episodic pain syndrome with predominantly lower limb involvement. Also called: Episodic pain syndrome, familial, 3. Identifiers: Orphanet 391384, Orphanet 391392, MedGen C3809899, MONDO:0014247, OMIM 615552.
Inborn genetic diseases. Identifiers: MedGen C0950123, MeSH D030342.

Allele frequency attached by ClinVar (database versions not stated): ExAC 0.00001; gnomAD exomes 0.00001 and below 0.00001; gnomAD 0.00002; TOPMed 0.00002.
gnomAD v4.1: 5 of 1,612,338 alleles (0.00031%); highest among the groups gnomAD compares: Non-Finnish European, 0.00042%; no homozygotes.

Submissions (4):

PreventionGenetics, part of Exact Sciences
Classification: Uncertain significance for SCN11A-related condition. Last evaluated: 2026-03-27. Review status: criteria provided, single submitter. Criteria: ACMG Guidelines, 2015. Collection method: clinical testing. Allele origin: germline.
Comment: The SCN11A c.3724A>G variant is predicted to result in the amino acid substitution p.Asn1242Asp. To our knowledge, this variant has not been reported in the literature. This variant is reported in 0.0023% of alleles in individuals of European (non-Finnish) descent in gnomAD. At this time, the clinical significance of this variant is uncertain due to the absence of conclusive functional and genetic evidence.

Labcorp Genetics (formerly Invitae), Labcorp
Classification: Uncertain significance for Familial episodic pain syndrome with predominantly lower limb involvement; Hereditary sensory and autonomic neuropathy type 7. Last evaluated: 2025-01-26. Review status: criteria provided, single submitter. Criteria: Invitae Variant Classification Sherloc (09022015). Collection method: clinical testing. Allele origin: germline.
Comment: This sequence change replaces asparagine, which is neutral and polar, with aspartic acid, which is acidic and polar, at codon 1242 of the SCN11A protein (p.Asn1242Asp). This variant is present in population databases (rs769151002, gnomAD 0.002%). This variant has not been reported in the literature in individuals affected with SCN11A-related conditions. ClinVar contains an entry for this variant (Variation ID: 474722). Invitae Evidence Modeling of protein sequence and biophysical properties (such as structural, functional, and spatial information, amino acid conservation, physicochemical variation, residue mobility, and thermodynamic stability) indicates that this missense variant is not expected to disrupt SCN11A protein function with a negative predictive value of 80%. In summary, the available evidence is currently insufficient to determine the role of this variant in disease. Therefore, it has been classified as a Variant of Uncertain Significance.

Ambry Genetics
Classification: Uncertain significance for Inborn genetic diseases. Last evaluated: 2024-03-15. Review status: criteria provided, single submitter. Criteria: Ambry Variant Classification Scheme 2023. Collection method: clinical testing. Allele origin: germline.

GeneDx
Classification: Uncertain significance. Last evaluated: 2023-09-18. Review status: criteria provided, single submitter. Criteria: GeneDx Variant Classification Process June 2021. Collection method: clinical testing. Allele origin: germline. Affected: yes.
Comment: In silico analysis supports that this missense variant has a deleterious effect on protein structure/function; Has not been previously published as pathogenic or benign to our knowledge